The following is an entry in ClinVar:

NM_006019.4(TCIRG1):c.1923G>C (p.Leu641Phe)

Gene: TCIRG1 (T cell immune regulator 1, ATPase H+ transporting V0 subunit a3; plus strand). Cytogenetic location: 11q13.2.
Variant type: single nucleotide variant.
Coding change: c.1923G>C on transcript NM_006019.4 (MANE Select); coding-DNA position 1923, G replaced by C.
Protein change: p.Leu641Phe; replaces leucine 641 with phenylalanine.
Molecular consequence: missense variant.
Genome position (GRCh38, 1-based): chr11:68,049,698, G>C. VCF-style: chr11-68049698-G-C. GRCh37 (hg19) VCF-style: chr11-67817165-G-C.
Other names: c.1029G>C, p.Leu343Phe (NM_001351059.2); c.1275G>C, p.Leu425Phe (NM_006053.4); short protein forms L343F, L425F, L641F.
Identifiers: ClinVar variation 3615448 (VCV003615448.2).

ClinVar aggregate classification (germline): Uncertain significance (1 of 4 stars; one submission).

gnomAD v4.1: 1 of 1,599,396 alleles (0.000063%); highest among the groups gnomAD compares: Non-Finnish European, 0.000085%; no homozygotes.

Submission:

Labcorp Genetics (formerly Invitae), Labcorp
Classification: Uncertain significance. Last evaluated: 2024-11-22. Review status: criteria provided, single submitter. Criteria: Invitae Variant Classification Sherloc (09022015). Collection method: clinical testing. Allele origin: germline.
Comment: This sequence change replaces leucine, which is neutral and non-polar, with phenylalanine, which is neutral and non-polar, at codon 641 of the TCIRG1 protein (p.Leu641Phe). This variant is not present in population databases (gnomAD no frequency). This variant has not been reported in the literature in individuals affected with TCIRG1-related conditions. Invitae Evidence Modeling of protein sequence and biophysical properties (such as structural, functional, and spatial information, amino acid conservation, physicochemical variation, residue mobility, and thermodynamic stability) indicates that this missense variant is not expected to disrupt TCIRG1 protein function with a negative predictive value of 80%. In summary, the available evidence is currently insufficient to determine the role of this variant in disease. Therefore, it has been classified as a Variant of Uncertain Significance.